The following is an entry in ClinVar:

NM_015047.3(EMC1):c.1909G>A (p.Ala637Thr)

Genes: EMC1 (ER membrane protein complex subunit 1; minus strand), EMC1-AS1 (EMC1 antisense RNA 1; plus strand). Cytogenetic location: 1p36.13.
Variant type: single nucleotide variant.
Coding change: c.1909G>A on transcript NM_015047.3 (MANE Select); coding-DNA position 1909, G replaced by A.
Protein change: p.Ala637Thr; replaces alanine 637 with threonine.
Molecular consequence: missense variant.
Genome position (GRCh38, 1-based): chr1:19,231,296, C>T on the plus strand (G>A on the coding strand, the complement: EMC1 is on the minus strand). VCF-style: chr1-19231296-C-T. GRCh37 (hg19) VCF-style: chr1-19557790-C-T.
Other names: c.1909G>A (NM_015047.1); c.1906G>A, p.Ala636Thr (NM_001271427.2, NM_001271428.2); c.1843G>A, p.Ala615Thr (NM_001271429.2); c.1918G>A, p.Ala640Thr (NM_001375820.1); c.1915G>A, p.Ala639Thr (NM_001375821.1); short protein forms A615T, A637T, A636T, A639T, A640T.
Identifiers: ClinVar variation 1935504 (VCV001935504.6), dbSNP rs769289181, ClinGen allele CA652471.
Genomic context (GRCh38, chr1:19,231,296, plus strand): 5'-TCTCCATCCCCTCTGAAGACAGTACCTTGTATTCATCATCTATCAACAGCAACACCTTGG[C>T]GTAGTCTTGATCCATGACTGGGAGAAGCAAGGACTGCAAGATGGGGCGCTTCAGCACTGG-3'
Protein context (NP_055862.1, residues 627-647): LLLPVMDQDY[Ala637Thr]KVLLLIDDEY

ClinVar aggregate classification (germline): Uncertain significance. Review status: criteria provided, multiple submitters, no conflicts (2 of 4 stars). 2 submissions from 2 submitters: Uncertain significance (2). Last evaluated 2025-08-12.

Conditions:
Inborn genetic diseases. Identifiers: MedGen C0950123, MeSH D030342.

Allele frequency attached by ClinVar (database versions not stated): ExAC 0.00001.
gnomAD v4.1: 15 of 1,608,572 alleles (0.00093%); highest among the groups gnomAD compares: Non-Finnish European, 0.0013%; no homozygotes.

Submissions (2):

Ambry Genetics
Classification: Uncertain significance for Inborn genetic diseases. Last evaluated: 2025-08-12. Review status: criteria provided, single submitter. Criteria: Ambry Variant Classification Scheme 2023. Collection method: clinical testing. Allele origin: germline.

Labcorp Genetics (formerly Invitae), Labcorp
Classification: Uncertain significance. Last evaluated: 2022-09-16. Review status: criteria provided, single submitter. Criteria: Invitae Variant Classification Sherloc (09022015). Collection method: clinical testing. Allele origin: germline.
Comment: Advanced modeling of protein sequence and biophysical properties (such as structural, functional, and spatial information, amino acid conservation, physicochemical variation, residue mobility, and thermodynamic stability) performed at Invitae indicates that this missense variant is not expected to disrupt EMC1 protein function. This sequence change replaces alanine, which is neutral and non-polar, with threonine, which is neutral and polar, at codon 637 of the EMC1 protein (p.Ala637Thr). This variant is present in population databases (rs769289181, gnomAD 0.002%). This variant has not been reported in the literature in individuals affected with EMC1-related conditions. In summary, the available evidence is currently insufficient to determine the role of this variant in disease. Therefore, it has been classified as a Variant of Uncertain Significance.